The following is an entry in ClinVar:

NM_000722.4(CACNA2D1):c.116A>G (p.Lys39Arg)

Gene: CACNA2D1 (calcium voltage-gated channel auxiliary subunit alpha2delta 1; minus strand). Cytogenetic location: 7q21.11.
Variant type: single nucleotide variant.
Coding change: c.116A>G on transcript NM_000722.4 (MANE Select); coding-DNA position 116, A replaced by G.
Protein change: p.Lys39Arg; replaces lysine 39 with arginine.
Molecular consequence: missense variant.
Genome position (GRCh38, 1-based): chr7:82,349,629, T>C on the plus strand (A>G on the coding strand, the complement: CACNA2D1 is on the minus strand). VCF-style: chr7-82349629-T-C. GRCh37 (hg19) VCF-style: chr7-81978945-T-C.
Other names: c.116A>G, p.Lys39Arg (NM_001302890.2, NM_001366867.1); short protein forms K39R.
Identifiers: ClinVar variation 2723645 (VCV002723645.3), dbSNP rs776939237, ClinGen allele CA4318469.

ClinVar aggregate classification (germline): Uncertain significance (1 of 4 stars; one submission).

Conditions:
Brugada syndrome. Also called: Sudden unexpected nocturnal death syndrome; Sudden unexplained nocturnal death syndrome; Sudden Unexplained Death Syndrome; Sudden Unexplained Nocturnal Death Syndrome (SUNDS). Identifiers: Orphanet 130, MedGen C1142166, MONDO:0015263.

Allele frequency attached by ClinVar (database versions not stated): TOPMed below 0.00001; ExAC 0.00001; gnomAD exomes 0.00001.
gnomAD v4.1: 4 of 1,613,806 alleles (0.00025%); highest among the groups gnomAD compares: East Asian, 0.0067%; no homozygotes.

Submission:

Labcorp Genetics (formerly Invitae), Labcorp
Classification: Uncertain significance for Brugada syndrome. Last evaluated: 2023-04-28. Review status: criteria provided, single submitter. Criteria: Invitae Variant Classification Sherloc (09022015). Collection method: clinical testing. Allele origin: germline.
Comment: In summary, the available evidence is currently insufficient to determine the role of this variant in disease. Therefore, it has been classified as a Variant of Uncertain Significance. Experimental studies and prediction algorithms are not available or were not evaluated, and the functional significance of this variant is currently unknown. This variant has not been reported in the literature in individuals affected with CACNA2D1-related conditions. This variant is present in population databases (rs776939237, gnomAD 0.03%). This sequence change replaces lysine, which is basic and polar, with arginine, which is basic and polar, at codon 39 of the CACNA2D1 protein (p.Lys39Arg).